The following is an entry in ClinVar:

ClinVar aggregate classification (germline): Pathogenic/Likely pathogenic. Review status: criteria provided, multiple submitters, no conflicts (2 of 4 stars). 8 submissions from 8 submitters: Pathogenic (5); Likely pathogenic (3). Last evaluated 2025-11-10.

Conditions:
Hereditary cancer-predisposing syndrome. Also called: Tumor predisposition; Hereditary Cancer Syndrome; Neoplastic Syndromes, Hereditary; Hereditary neoplastic syndrome. Identifiers: Orphanet 140162, MedGen C0027672, MeSH D009386, MONDO:0015356.
Familial cancer of breast. Also called: hereditary breast carcinoma; Hereditary breast cancer; BREAST CANCER, FAMILIAL. Identifiers: Orphanet 227535, MedGen C0346153, MONDO:0016419, OMIM 114480. Disease mechanism: loss of function.
ATM-related disorder. Also called: ATM-related disorders; ATM-related condition.
Ataxia-telangiectasia syndrome (AT). Also called: Cerebello-oculocutaneous telangiectasia; Immunodeficiency with ataxia telangiectasia; Ataxia-telangiectasia; Ataxia-telangiectasia, complementation group D; AT, COMPLEMENTATION GROUP C; ATAXIA-TELANGIECTASIA, COMPLEMENTATION GROUP A. Identifiers: Orphanet 100, MedGen C0004135, MONDO:0008840, OMIM 208900.

Allele frequency attached by ClinVar (database versions not stated): gnomAD exomes 0.00001.

Submissions (8):

Labcorp Genetics (formerly Invitae), Labcorp
Classification: Pathogenic for Ataxia-telangiectasia syndrome. Last evaluated: 2025-11-10. Review status: criteria provided, single submitter. Criteria: Invitae Variant Classification Sherloc (09022015). Collection method: clinical testing. Allele origin: germline.
Comment: This sequence change creates a premature translational stop signal (p.Tyr370*) in the ATM gene. It is expected to result in an absent or disrupted protein product. Loss-of-function variants in ATM are known to be pathogenic (PMID: 23807571, 25614872). This variant is not present in population databases (gnomAD no frequency). This premature translational stop signal has been observed in individual(s) with ataxia-telangiectasia (PMID: 10330348, 12815592). ClinVar contains an entry for this variant (Variation ID: 480878). For these reasons, this variant has been classified as Pathogenic.

Natera, Inc.
Classification: Likely pathogenic for Ataxia-telangiectasia. Last evaluated: 2024-10-31. Review status: criteria provided, single submitter. Criteria: Natera Variant Classification Schema (03/2026). Collection method: clinical testing. Allele origin: germline.
Comment: The c.1109dup variant in ATM is a frameshift variant predicted to shift the reading frame and introduce a stop codon. This variant is expected to result in nonsense mediated decay, truncation, or a dysfunctional protein product. This variant is rare in the general population with a frequency below the threshold expected for the associated phenotype(s). Given the available evidence, this variant is classified as Likely Pathogenic.

Myriad Genetics, Inc.
Classification: Pathogenic for Familial cancer of breast. Last evaluated: 2024-01-12. Review status: criteria provided, single submitter. Criteria: Myriad Autosomal Dominant, Autosomal Recessive and X-Linked Classification Criteria (2023). Collection method: clinical testing. Allele origin: unknown.
Comment: This variant is considered pathogenic. This variant creates a termination codon and is predicted to result in premature protein truncation.

Baylor Genetics
Classification: Likely pathogenic for Familial cancer of breast. Last evaluated: 2023-11-05. Review status: criteria provided, single submitter. Criteria: ACMG Guidelines, 2015. Collection method: clinical testing. Allele origin: unknown.

GeneDx
Classification: Pathogenic. Last evaluated: 2023-07-07. Review status: criteria provided, single submitter. Criteria: GeneDx Variant Classification Process June 2021. Collection method: clinical testing. Allele origin: germline. Affected: yes.
Comment: Nonsense variant predicted to result in protein truncation or nonsense mediated decay in a gene for which loss of function is a known mechanism of disease; Not observed at significant frequency in large population cohorts (gnomAD); Observed in an individual with breast cancer (Decker et al., 2017); This variant is associated with the following publications: (PMID: 28580595, 28779002)

Ambry Genetics
Classification: Pathogenic for Hereditary cancer-predisposing syndrome. Last evaluated: 2022-11-01. Review status: criteria provided, single submitter. Criteria: Ambry Variant Classification Scheme 2023. Collection method: clinical testing. Allele origin: germline.
Comment: The c.1109dupA pathogenic mutation, located in coding exon 8 of the ATM gene, results from a duplication of A at nucleotide position 1109, causing a translational frameshift with a predicted alternate stop codon (p.Y370*). This alteration is expected to result in loss of function by premature protein truncation or nonsense-mediated mRNA decay. As such, this alteration is interpreted as a disease-causing mutation.

Blueprint Genetics
Classification: Pathogenic for ATM-related disorders. Last evaluated: 2022-08-02. Review status: criteria provided, single submitter. Criteria: ACMG Guidelines, 2015. Collection method: clinical testing. Allele origin: germline. Affected: yes. Observed: 1 variant allele.

Fulgent Genetics
Classification: Likely pathogenic for Familial cancer of breast; Ataxia-telangiectasia syndrome. Last evaluated: 2022-05-31. Review status: criteria provided, single submitter. Criteria: ACMG Guidelines, 2015. Collection method: clinical testing. Allele origin: unknown.

Literature cited by the submitters: PubMed 23807571 (cited by Labcorp Genetics (formerly Invitae), Labcorp); PubMed 25614872 (cited by Labcorp Genetics (formerly Invitae), Labcorp); PubMed 10330348 (cited by Labcorp Genetics (formerly Invitae), Labcorp); PubMed 12815592 (cited by Labcorp Genetics (formerly Invitae), Labcorp).

NM_000051.4(ATM):c.1109dup (p.Tyr370Ter)

Gene: ATM (ATM serine/threonine kinase; plus strand). Cytogenetic location: 11q22.3.
Variant type: Duplication.
Coding change: c.1109dup on transcript NM_000051.4 (MANE Select); coding-DNA position 1109, one base duplicated (A; older notation c.1109dupA).
Protein change: p.Tyr370Ter; replaces tyrosine 370 with a stop codon.
Molecular consequence: nonsense.
Genome position (GRCh38, 1-based): chr11:108,248,976, A duplicated. VCF-style (leftmost placement, unchanged base first): chr11-108248975-T-TA. GRCh37 (hg19) VCF-style: chr11-108119702-T-TA.
Other names: c.1109dup, p.Tyr370Ter (NM_001351834.2); c.1109dupA (NM_000051.3); short protein forms Y370*.
Identifiers: ClinVar variation 480878 (VCV000480878.23), dbSNP rs1555069617, ClinGen allele CA658656209.